The following is an entry in ClinVar:

NM_001843.4(CNTN1):c.2917G>A (p.Val973Ile)

Gene: CNTN1 (contactin 1; plus strand). Cytogenetic location: 12q12.
Variant type: single nucleotide variant.
Coding change: c.2917G>A on transcript NM_001843.4 (MANE Select); coding-DNA position 2917, G replaced by A.
Protein change: p.Val973Ile; replaces valine 973 with isoleucine.
Molecular consequence: missense variant.
Genome position (GRCh38, 1-based): chr12:41,029,156, G>A. VCF-style: chr12-41029156-G-A. GRCh37 (hg19) VCF-style: chr12-41422958-G-A.
Other names: c.2884G>A, p.Val962Ile (NM_175038.2); c.2917G>A (NM_001843.2); short protein forms V962I, V973I.
Identifiers: ClinVar variation 863659 (VCV000863659.10), dbSNP rs768847583, ClinGen allele CA6517263.

ClinVar aggregate classification (germline): Uncertain significance. Review status: criteria provided, multiple submitters, no conflicts (2 of 4 stars). 2 submissions from 2 submitters: Uncertain significance (2). Last evaluated 2024-09-09.

Conditions:
Inborn genetic diseases. Identifiers: MedGen C0950123, MeSH D030342.
Compton-North congenital myopathy (CMYO12). Identifiers: Orphanet 210163, MedGen C2675527, MONDO:0012929, OMIM 612540.

Allele frequency attached by ClinVar (database versions not stated): ExAC 0.00002; gnomAD 0.00004 and 0.00005; gnomAD exomes 0.00004 and 0.00005; TOPMed 0.00005.
gnomAD v4.1: 74 of 1,613,938 alleles (0.0046%); highest among the groups gnomAD compares: Admixed American, 0.02%; no homozygotes.

Submissions (2):

Ambry Genetics
Classification: Uncertain significance for Inborn genetic diseases. Last evaluated: 2024-09-09. Review status: criteria provided, single submitter. Criteria: Ambry Variant Classification Scheme 2023. Collection method: clinical testing. Allele origin: germline.

Labcorp Genetics (formerly Invitae), Labcorp
Classification: Uncertain significance for Compton-North congenital myopathy. Last evaluated: 2022-08-21. Review status: criteria provided, single submitter. Criteria: Invitae Variant Classification Sherloc (09022015). Collection method: clinical testing. Allele origin: germline.
Comment: This sequence change replaces valine, which is neutral and non-polar, with isoleucine, which is neutral and non-polar, at codon 973 of the CNTN1 protein (p.Val973Ile). This variant is present in population databases (rs768847583, gnomAD 0.02%). This variant has not been reported in the literature in individuals affected with CNTN1-related conditions. ClinVar contains an entry for this variant (Variation ID: 863659). Advanced modeling of protein sequence and biophysical properties (such as structural, functional, and spatial information, amino acid conservation, physicochemical variation, residue mobility, and thermodynamic stability) performed at Invitae indicates that this missense variant is not expected to disrupt CNTN1 protein function. In summary, the available evidence is currently insufficient to determine the role of this variant in disease. Therefore, it has been classified as a Variant of Uncertain Significance.